The following is an entry in ClinVar:

ClinVar aggregate classification (germline): Uncertain significance (1 of 4 stars; one submission).

Submission:

Women's Health and Genetics/Laboratory Corporation of America, LabCorp
Classification: Uncertain significance. Last evaluated: 2024-01-29. Review status: criteria provided, single submitter. Criteria: LabCorp Variant Classification Summary - May 2015. Collection method: clinical testing. Allele origin: germline.
Comment: Variant summary: TNRC6B c.5191C>G (p.Gln1731Glu) results in a conservative amino acid change in the encoded protein sequence. Three of five in-silico tools predict a benign effect of the variant on protein function. The variant was absent in 247672 control chromosomes. The available data on variant occurrences in the general population are insufficient to allow any conclusion about variant significance. To our knowledge, no occurrence of c.5191C>G in individuals affected with Global Developmental Delay With Speech And Behavioral Abnormalities and no experimental evidence demonstrating its impact on protein function have been reported. No submitters have cited clinical-significance assessments for this variant to ClinVar. Based on the evidence outlined above, the variant was classified as uncertain significance.

NM_001162501.2(TNRC6B):c.5191C>G (p.Gln1731Glu)

Gene: TNRC6B (trinucleotide repeat containing adaptor 6B; plus strand). Cytogenetic location: 22q13.1.
Variant type: single nucleotide variant.
Coding change: c.5191C>G on transcript NM_001162501.2 (MANE Select); coding-DNA position 5191, C replaced by G.
Protein change: p.Gln1731Glu; replaces glutamine 1731 with glutamic acid.
Molecular consequence: missense variant.
Genome position (GRCh38, 1-based): chr22:40,322,930, C>G. VCF-style: chr22-40322930-C-G. GRCh37 (hg19) VCF-style: chr22-40718934-C-G.
Other names: c.2779C>G, p.Gln927Glu (NM_001024843.2); c.4861C>G, p.Gln1621Glu (NM_015088.3); short protein forms Q1621E, Q1731E, Q927E.
Identifiers: ClinVar variation 3063691 (VCV003063691.1), dbSNP rs2518055382, ClinGen allele CA411671858.
Genomic context (GRCh38, chr22:40,322,930, plus strand): 5'-ACTACCATCCTTGCTGAGTTTGCCACTGATGATGAAGTCAGCCGCTTTCTGGCACAAGCT[C>G]AGCCCCCTACACCTGCAGCAACCCCAAGTGCGCCAGCTGCGGGGTGGCAGTCGCTGGAGA-3'
Protein context (NP_001155973.1, residues 1721-1741): DEVSRFLAQA[Gln1731Glu]PPTPAATPSA